The following is an entry in ClinVar:

ClinVar aggregate classification (germline): Likely pathogenic. Review status: criteria provided, multiple submitters, no conflicts (2 of 4 stars). 2 submissions from 2 submitters: Likely pathogenic (2). Last evaluated 2026-02-20.

Conditions:
Peutz-Jeghers syndrome (PJS). Also called: POLYPOSIS, HAMARTOMATOUS INTESTINAL; POLYPS-AND-SPOTS SYNDROME; Peutz-Jeghers polyposis; Periorificial lentiginosis syndrome. Identifiers: Orphanet 2869, MedGen C0031269, MeSH D010580, MONDO:0008280, OMIM 175200.
Hereditary cancer-predisposing syndrome. Also called: Hereditary Cancer Syndrome; Tumor predisposition; Neoplastic Syndromes, Hereditary; Hereditary neoplastic syndrome. Identifiers: Orphanet 140162, MedGen C0027672, MeSH D009386, MONDO:0015356.

Submissions (2):

Ambry Genetics
Classification: Likely pathogenic for Hereditary cancer-predisposing syndrome. Last evaluated: 2026-02-20. Review status: criteria provided, single submitter. Criteria: Ambry Variant Classification Scheme 2023. Collection method: clinical testing. Allele origin: germline.
Comment: The p.C132R variant (also known as c.394T>C), located in coding exon 3 of the STK11 gene, results from a T to C substitution at nucleotide position 394. The cysteine at codon 132 is replaced by arginine, an amino acid with highly dissimilar properties. This variant was reported in individual(s) with features consistent with Peutz-Jeghers syndrome (External communication; Ambry internal data). Based on internal structural analysis, this variant is anticipated to result in a significant decrease in structural stability (Ambry internal data). This amino acid position is highly conserved in available vertebrate species. In addition, this alteration is predicted to be deleterious by in silico analysis. This variant is considered to be rare based on population cohorts in the Genome Aggregation Database (gnomAD). Based on the majority of available evidence to date, this variant is likely to be pathogenic.

Labcorp Genetics (formerly Invitae), Labcorp
Classification: Likely pathogenic for Peutz-Jeghers syndrome. Last evaluated: 2023-08-28. Review status: criteria provided, single submitter. Criteria: Invitae Variant Classification Sherloc (09022015). Collection method: clinical testing. Allele origin: germline.
Comment: In summary, the currently available evidence indicates that the variant is pathogenic, but additional data are needed to prove that conclusively. Therefore, this variant has been classified as Likely Pathogenic. This variant disrupts the p.Cys132 amino acid residue in STK11. Other variant(s) that disrupt this residue have been determined to be pathogenic (PMID: 32462036; Invitae). This suggests that this residue is clinically significant, and that variants that disrupt this residue are likely to be disease-causing. Advanced modeling of protein sequence and biophysical properties (such as structural, functional, and spatial information, amino acid conservation, physicochemical variation, residue mobility, and thermodynamic stability) performed at Invitae indicates that this missense variant is expected to disrupt STK11 protein function. ClinVar contains an entry for this variant (Variation ID: 852152). This missense change has been observed in individual(s) with Peutz-Jeghers syndrome (Invitae). This variant is not present in population databases (gnomAD no frequency). This sequence change replaces cysteine, which is neutral and slightly polar, with arginine, which is basic and polar, at codon 132 of the STK11 protein (p.Cys132Arg).

Literature cited by the submitters: PubMed 32462036 (cited by Labcorp Genetics (formerly Invitae), Labcorp).

NM_000455.5(STK11):c.394T>C (p.Cys132Arg)

Gene: STK11 (serine/threonine kinase 11; plus strand). Cytogenetic location: 19p13.3.
Variant type: single nucleotide variant.
Coding change: c.394T>C on transcript NM_000455.5 (MANE Select); coding-DNA position 394, T replaced by C.
Protein change: p.Cys132Arg; replaces cysteine 132 with arginine.
Molecular consequence: missense variant.
Genome position (GRCh38, 1-based): chr19:1,219,343, T>C. VCF-style: chr19-1219343-T-C. GRCh37 (hg19) VCF-style: chr19-1219342-T-C.
Other names: short protein forms C132R.
Identifiers: ClinVar variation 852152 (VCV000852152.7), dbSNP rs2080765290, ClinGen allele CA402948154.
Genomic context (GRCh38, chr19:1,219,343, plus strand): 5'-AGTGGGGCCGCCCCCTGAGCTGTGTGTCCTTAGCGCCCCACGTATATGGTGATGGAGTAC[T>C]GCGTGTGTGGCATGCAGGAAATGCTGGACAGCGTGCCGGAGAAGCGTTTCCCAGTGTGCC-3'
Protein context (NP_000446.1, residues 122-142): KQKMYMVMEY[Cys132Arg]VCGMQEMLDS